The following is an entry in ClinVar:

NM_001171.6(ABCC6):c.220G>A (p.Val74Met)

Gene: ABCC6 (ATP binding cassette subfamily C member 6; minus strand). Cytogenetic location: 16p13.11.
Variant type: single nucleotide variant.
Coding change: c.220G>A on transcript NM_001171.6 (MANE Select); coding-DNA position 220, G replaced by A.
Protein change: p.Val74Met; replaces valine 74 with methionine.
Molecular consequence: missense variant. On other transcripts: 5 prime UTR variant (1), non-coding transcript variant (4).
Genome position (GRCh38, 1-based): chr16:16,219,947, C>T on the plus strand (G>A on the coding strand, the complement: ABCC6 is on the minus strand). VCF-style: chr16-16219947-C-T. GRCh37 (hg19) VCF-style: chr16-16313804-C-T.
Other names: c.-123G>A (NM_001351800.1); c.220G>A, p.Val74Met (NM_001440309.1, NM_001440310.1); short protein forms V74M.
Identifiers: ClinVar variation 4977717 (VCV004977717.1).

ClinVar aggregate classification (germline): Uncertain significance (1 of 4 stars; one submission).

Conditions:
ABCC6-related disorder. Also called: ABCC6-related condition.

Submission:

PreventionGenetics, part of Exact Sciences
Classification: Uncertain significance for ABCC6-related condition. Last evaluated: 2026-04-09. Review status: criteria provided, single submitter. Criteria: ACMG Guidelines, 2015. Collection method: clinical testing. Allele origin: germline.
Comment: The ABCC6 c.220G>A variant is predicted to result in the amino acid substitution p.Val74Met. This variant occurs at the first nucleotide of exon 3 and is predicted to impact splicing based on a splicing prediction program (SpliceAI, Jaganathan K, et al. 2019. PubMed ID: 30661751). To our knowledge, this variant has not been reported in the literature or in a large population database (gnomAD), indicating this variant is rare. At this time, the clinical significance of this variant is uncertain due to the absence of conclusive functional and genetic evidence.